The following is an entry in ClinVar:

NM_024675.4(PALB2):c.1416del (p.Gln472fs)

Gene: PALB2 (partner and localizer of BRCA2; minus strand). Cytogenetic location: 16p12.2.
Variant type: Deletion.
Coding change: c.1416del on transcript NM_024675.4 (MANE Select); coding-DNA position 1416, one base deleted (A; older notation c.1416delA).
Protein change: p.Gln472fs; shifts the reading frame from glutamine 472.
Molecular consequence: frameshift variant. On other transcripts: intron variant (3).
Genome position (GRCh38, 1-based): chr16:23,635,130, T deleted on the plus strand (A on the coding strand, the reverse complement: PALB2 is on the minus strand); the first of 2 consecutive T bases (chr16:23,635,130-23,635,131); deleting either gives the same sequence. VCF-style (leftmost placement, unchanged base first): chr16-23635129-GT-G. GRCh37 (hg19) VCF-style: chr16-23646450-GT-G.
Other names: c.1356del, p.Gln452fs (NM_001407296.1); c.1416del, p.Gln472fs (NM_001407297.1, NM_001407298.1, NM_001407299.1 and 3 more transcripts); c.531del, p.Gln177fs (NM_001407304.1, NM_001407305.1, NM_001407306.1 and 5 more transcripts); c.49-5855del (NM_001407314.1); c.-104-4661del (NM_001407313.1, NM_001407312.1); short protein forms Q177fs, Q452fs, Q472fs.
Identifiers: ClinVar variation 2674179 (VCV002674179.1), dbSNP rs2506478364, ClinGen allele CA2695197476.

ClinVar aggregate classification (germline): Pathogenic (1 of 4 stars; one submission).

Conditions:
Familial cancer of breast. Also called: Hereditary breast cancer; BREAST CANCER, FAMILIAL; hereditary breast carcinoma. Identifiers: Orphanet 227535, MedGen C0346153, MONDO:0016419, OMIM 114480. Disease mechanism: loss of function.

Submission:

Myriad Genetics, Inc.
Classification: Pathogenic for Familial cancer of breast. Last evaluated: 2023-09-08. Review status: criteria provided, single submitter. Criteria: Myriad Autosomal Dominant, Autosomal Recessive and X-Linked Classification Criteria (2023). Collection method: clinical testing. Allele origin: unknown.
Comment: This variant is considered pathogenic. This variant creates a frameshift predicted to result in premature protein truncation.